The following is an entry in ClinVar:

NM_001282933.2(ZNF341):c.347C>G (p.Thr116Arg)

Gene: ZNF341 (zinc finger protein 341; plus strand). Cytogenetic location: 20q11.22.
Variant type: single nucleotide variant.
Coding change: c.347C>G on transcript NM_001282933.2 (MANE Select); coding-DNA position 347, C replaced by G.
Protein change: p.Thr116Arg; replaces threonine 116 with arginine.
Molecular consequence: missense variant. On other transcripts: non-coding transcript variant (1).
Genome position (GRCh38, 1-based): chr20:33,748,930, C>G. VCF-style: chr20-33748930-C-G. GRCh37 (hg19) VCF-style: chr20-32336736-C-G.
Other names: c.77C>G, p.Thr26Arg (NM_001282935.2); c.347C>G, p.Thr116Arg (NM_032819.5); c.347C>G (NM_032819.3); short protein forms T116R, T26R.
Identifiers: ClinVar variation 1419312 (VCV001419312.4), dbSNP rs368873311, ClinGen allele CA9819150.
Genomic context (GRCh38, chr20:33,748,930, plus strand): 5'-ACACACACTCTGTCTCTCTCCGTCTCACTCATTCTCTCTCTCCCACTGTCCAGATCTCCA[C>G]ATACATCACAGTGCCCCCGTCCCCACTGATCCAGACCCTGGTGCAGGGGAACATCTTGGT-3'
Protein context (NP_001269862.1, residues 106-126): APTPANRQIS[Thr116Arg]YITVPPSPLI

ClinVar aggregate classification (germline): Uncertain significance. Review status: criteria provided, multiple submitters, no conflicts (2 of 4 stars). 2 submissions from 2 submitters: Uncertain significance (2). Last evaluated 2023-08-08.

Allele frequency attached by ClinVar (database versions not stated): gnomAD exomes 0.00002 and 0.00003; ExAC 0.00003; gnomAD 0.00003; TOPMed 0.00003; ESP Exome Variant Server 0.00008.
gnomAD v4.1: 36 of 1,612,996 alleles (0.0022%); highest among the groups gnomAD compares: African/African-American, 0.004%; no homozygotes.

Submissions (2):

Ambry Genetics
Classification: Uncertain significance. Last evaluated: 2023-08-08. Review status: criteria provided, single submitter. Criteria: Ambry Variant Classification Scheme 2023. Collection method: clinical testing. Allele origin: germline.

Labcorp Genetics (formerly Invitae), Labcorp
Classification: Uncertain significance. Last evaluated: 2021-10-13. Review status: criteria provided, single submitter. Criteria: Invitae Variant Classification Sherloc (09022015). Collection method: clinical testing. Allele origin: germline.
Comment: This sequence change replaces threonine with arginine at codon 116 of the ZNF341 protein (p.Thr116Arg). The threonine residue is highly conserved and there is a moderate physicochemical difference between threonine and arginine. This variant is present in population databases (rs368873311, ExAC 0.009%). This variant has not been reported in the literature in individuals affected with ZNF341-related conditions. Algorithms developed to predict the effect of missense changes on protein structure and function (SIFT, PolyPhen-2, Align-GVGD) all suggest that this variant is likely to be disruptive. Algorithms developed to predict the effect of sequence changes on RNA splicing suggest that this variant may create or strengthen a splice site. In summary, the available evidence is currently insufficient to determine the role of this variant in disease. Therefore, it has been classified as a Variant of Uncertain Significance.